The following is an entry in ClinVar:

ClinVar aggregate classification (germline): Pathogenic. Review status: criteria provided, multiple submitters, no conflicts (2 of 4 stars). 2 submissions from 2 submitters: Pathogenic (2). Last evaluated 2025-02-20.

Conditions:
Cardiovascular phenotype. Identifiers: MedGen CN230736.

Allele frequency attached by ClinVar (database versions not stated): TOPMed below 0.00001; gnomAD 0.00001.

Submissions (2):

Ambry Genetics
Classification: Pathogenic for Cardiovascular phenotype. Last evaluated: 2025-02-20. Review status: criteria provided, single submitter. Criteria: Ambry Variant Classification Scheme 2023. Collection method: clinical testing. Allele origin: germline.
Comment: The c.1924_1925delCG pathogenic mutation, located in coding exon 5 of the ALPK3 gene, results from a deletion of two nucleotides at nucleotide positions 1924 to 1925, causing a translational frameshift with a predicted alternate stop codon (p.R642Gfs*15). This variant is considered to be rare based on population cohorts in the Genome Aggregation Database (gnomAD). This alteration is expected to result in loss of function by premature protein truncation or nonsense-mediated mRNA decay. As such, this alteration is interpreted as a disease-causing mutation.

Labcorp Genetics (formerly Invitae), Labcorp
Classification: Pathogenic. Last evaluated: 2025-01-08. Review status: criteria provided, single submitter. Criteria: Invitae Variant Classification Sherloc (09022015). Collection method: clinical testing. Allele origin: germline.
Comment: This sequence change creates a premature translational stop signal (p.Arg642Glyfs*15) in the ALPK3 gene. It is expected to result in an absent or disrupted protein product. Loss-of-function variants in ALPK3 are known to be pathogenic (PMID: 21441111, 26846950, 27106955, 34263907). This variant is not present in population databases (gnomAD no frequency). This variant has not been reported in the literature in individuals affected with ALPK3-related conditions. ClinVar contains an entry for this variant (Variation ID: 2807072). For these reasons, this variant has been classified as Pathogenic.

Literature cited by the submitters: PubMed 21441111 (cited by Labcorp Genetics (formerly Invitae), Labcorp); PubMed 26846950 (cited by Labcorp Genetics (formerly Invitae), Labcorp); PubMed 27106955 (cited by Labcorp Genetics (formerly Invitae), Labcorp); PubMed 34263907 (cited by Labcorp Genetics (formerly Invitae), Labcorp).

NM_020778.5(ALPK3):c.1318_1319del (p.Arg440fs)

Gene: ALPK3 (alpha kinase 3; plus strand). Cytogenetic location: 15q25.3.
Variant type: Deletion.
Coding change: c.1318_1319del on transcript NM_020778.5 (MANE Select); coding-DNA positions 1318 to 1319, 2 bases deleted (CG; older notation c.1318_1319delCG).
Protein change: p.Arg440fs; shifts the reading frame from arginine 440.
Molecular consequence: frameshift variant.
Genome position (GRCh38, 1-based): chr15:84,840,597-84,840,598, CG deleted. VCF-style (leftmost placement, unchanged base first): chr15-84840596-CCG-C. GRCh37 (hg19) VCF-style: chr15-85383827-CCG-C.
Other names: c.1924_1925delCG (NM_020778.4); short protein forms R440fs.
Identifiers: ClinVar variation 2807072 (VCV002807072.4), dbSNP rs1364348923, ClinGen allele CA716470248.